The following is an entry in ClinVar:

NM_001286.5(CLCN6):c.2358C>G (p.Asp786Glu)

Gene: CLCN6 (Cl-/H+ antiporter 6; plus strand). Cytogenetic location: 1p36.22.
Variant type: single nucleotide variant.
Coding change: c.2358C>G on transcript NM_001286.5 (MANE Select); coding-DNA position 2358, C replaced by G.
Protein change: p.Asp786Glu; replaces aspartic acid 786 with glutamic acid.
Molecular consequence: missense variant. On other transcripts: non-coding transcript variant (1).
Genome position (GRCh38, 1-based): chr1:11,838,397, C>G. VCF-style: chr1-11838397-C-G. GRCh37 (hg19) VCF-style: chr1-11898454-C-G.
Other names: c.2292C>G, p.Asp764Glu (NM_001256959.2); short protein forms D764E, D786E.
Identifiers: ClinVar variation 2961740 (VCV002961740.3), dbSNP rs747422495, ClinGen allele CA18004729.
Genomic context (GRCh38, chr1:11,838,397, plus strand): 5'-CGCCAGCCAGCCGCGCCTCTCCTATGCCGAGATGGCCGAGGACTACCCGCGGTACCCCGA[C>G]ATCCACGACCTGGACCTGACGCTGCTCAACCCGCGCATGATCGTGGTGAGAAGGGCTGCC-3'
Protein context (NP_001277.2, residues 776-796): EMAEDYPRYP[Asp786Glu]IHDLDLTLLN

ClinVar aggregate classification (germline): Uncertain significance (1 of 4 stars; one submission).

Allele frequency attached by ClinVar (database versions not stated): TOPMed 0.00003; gnomAD 0.00002.
gnomAD v4.1: 3 of 1,614,050 alleles (0.00019%); highest among the groups gnomAD compares: Admixed American, 0.005%; no homozygotes.

Submission:

Labcorp Genetics (formerly Invitae), Labcorp
Classification: Uncertain significance. Last evaluated: 2025-10-20. Review status: criteria provided, single submitter. Criteria: Invitae Variant Classification Sherloc (09022015). Collection method: clinical testing. Allele origin: germline.
Comment: This sequence change replaces aspartic acid, which is acidic and polar, with glutamic acid, which is acidic and polar, at codon 786 of the CLCN6 protein (p.Asp786Glu). This variant is present in population databases (no rsID available, gnomAD 0.1%). This variant has not been reported in the literature in individuals affected with CLCN6-related conditions. ClinVar contains an entry for this variant (Variation ID: 2961740). An algorithm developed to predict the effect of missense changes on protein structure and function (PolyPhen-2) suggests that this variant is likely to be disruptive. In summary, the available evidence is currently insufficient to determine the role of this variant in disease. Therefore, it has been classified as a Variant of Uncertain Significance.